The following is an entry in ClinVar:

NM_001134831.2(AHI1):c.3586G>A (p.Glu1196Lys)

Gene: AHI1 (Abelson helper integration site 1; minus strand). Cytogenetic location: 6q23.3.
Variant type: single nucleotide variant.
Coding change: c.3586G>A on transcript NM_001134831.2 (MANE Select); coding-DNA position 3586, G replaced by A.
Protein change: p.Glu1196Lys; replaces glutamic acid 1196 with lysine.
Molecular consequence: missense variant. On other transcripts: intron variant (1).
Genome position (GRCh38, 1-based): chr6:135,290,425, C>T on the plus strand (G>A on the coding strand, the complement: AHI1 is on the minus strand). VCF-style: chr6-135290425-C-T. GRCh37 (hg19) VCF-style: chr6-135611563-C-T.
Other names: c.3586G>A, p.Glu1196Lys (NM_001134830.2, NM_001350503.2, NM_017651.5); c.3486-4778G>A (NM_001350504.2); short protein forms E1196K.
Identifiers: ClinVar variation 1439493 (VCV001439493.3), dbSNP rs976929589, ClinGen allele CA148530242.

ClinVar aggregate classification (germline): Uncertain significance (1 of 4 stars; one submission).

Conditions:
Joubert syndrome. Also called: CEREBELLOPARENCHYMAL DISORDER IV; JOUBERT-BOLTSHAUSER SYNDROME; Familial aplasia of the vermis. Identifiers: Orphanet 475, MedGen C5979921, MONDO:0018772.

Allele frequency attached by ClinVar (database versions not stated): gnomAD exomes below 0.00001.
gnomAD v4.1: 5 of 1,540,684 alleles (0.00032%); highest among the groups gnomAD compares: Admixed American, 0.0017%; no homozygotes.

Submission:

Labcorp Genetics (formerly Invitae), Labcorp
Classification: Uncertain significance for Joubert syndrome. Last evaluated: 2022-08-17. Review status: criteria provided, single submitter. Criteria: Invitae Variant Classification Sherloc (09022015). Collection method: clinical testing. Allele origin: germline.
Comment: This sequence change replaces glutamic acid, which is acidic and polar, with lysine, which is basic and polar, at codon 1196 of the AHI1 protein (p.Glu1196Lys). This variant is present in population databases (no rsID available, gnomAD 0.0009%). This variant has not been reported in the literature in individuals affected with AHI1-related conditions. ClinVar contains an entry for this variant (Variation ID: 1439493). Algorithms developed to predict the effect of missense changes on protein structure and function output the following: SIFT: "Deleterious"; PolyPhen-2: "Benign"; Align-GVGD: "Class C0". The lysine amino acid residue is found in multiple mammalian species, which suggests that this missense change does not adversely affect protein function. In summary, the available evidence is currently insufficient to determine the role of this variant in disease. Therefore, it has been classified as a Variant of Uncertain Significance.